The following is an entry in ClinVar:

ClinVar aggregate classification (germline): Uncertain significance (1 of 4 stars; one submission).

Conditions:
Hereditary nonpolyposis colorectal neoplasms. Identifiers: MedGen C0009405, MeSH D003123.

Submission:

Labcorp Genetics (formerly Invitae), Labcorp
Classification: Uncertain significance for Hereditary nonpolyposis colorectal neoplasms. Last evaluated: 2025-06-08. Review status: criteria provided, single submitter. Criteria: Invitae Variant Classification Sherloc (09022015). Collection method: clinical testing. Allele origin: germline.
Comment: This sequence change replaces glycine, which is neutral and non-polar, with valine, which is neutral and non-polar, at codon 382 of the PMS2 protein (p.Gly382Val). RNA analysis indicates that this missense change induces altered splicing and may result in an absent or altered protein product. This variant is not present in population databases (gnomAD no frequency). This variant has not been reported in the literature in individuals affected with PMS2-related conditions. An algorithm developed to predict the effect of missense changes on protein structure and function (PolyPhen-2) suggests that this variant is likely to be tolerated. Studies have shown that this missense change results in activation of a cryptic splice site, and produces a non-functional protein and/or introduces a premature termination codon (internal data). In summary, the available evidence is currently insufficient to determine the role of this variant in disease. Therefore, it has been classified as a Variant of Uncertain Significance.

NM_000535.7(PMS2):c.1145G>T (p.Gly382Val)

Gene: PMS2 (PMS1 homolog 2, mismatch repair system component; minus strand). Cytogenetic location: 7p22.1.
Variant type: single nucleotide variant.
Coding change: c.1145G>T on transcript NM_000535.7 (MANE Select); coding-DNA position 1145, G replaced by T.
Protein change: p.Gly382Val; replaces glycine 382 with valine.
Molecular consequence: missense variant. On other transcripts: non-coding transcript variant (1), intron variant (1).
Genome position (GRCh38, 1-based): chr7:5,987,620, C>A on the plus strand (G>T on the coding strand, the complement: PMS2 is on the minus strand). VCF-style: chr7-5987620-C-A. GRCh37 (hg19) VCF-style: chr7-6027251-C-A.
Other names: c.740G>T, p.Gly247Val (NM_001322003.2, NM_001322004.2, NM_001322005.2 and 16 more transcripts); c.989G>T, p.Gly330Val (NM_001322006.2, NM_001406870.1); c.827G>T, p.Gly276Val (NM_001322007.2, NM_001322008.2, NM_001406876.1 and 2 more transcripts); c.584G>T, p.Gly195Val (NM_001322010.2, NM_001406906.1, NM_001406907.1); c.212G>T, p.Gly71Val (NM_001322011.2, NM_001322012.2); c.572G>T, p.Gly191Val (NM_001322013.2, NM_001406909.1); c.1145G>T, p.Gly382Val (NM_001322014.2, NM_001406871.1, NM_001406872.1); c.836G>T, p.Gly279Val (NM_001322015.2, NM_001406875.1, NM_001406877.1 and 5 more transcripts); and 13 more; short protein forms G276V, G326V, G330V, G390V, G191V, G224V, G270V, G346V.
Identifiers: ClinVar variation 4719978 (VCV004719978.1).